The following is an entry in ClinVar:

NM_020778.5(ALPK3):c.4121A>T (p.Glu1374Val)

Gene: ALPK3 (alpha kinase 3; plus strand). Cytogenetic location: 15q25.3.
Variant type: single nucleotide variant.
Coding change: c.4121A>T on transcript NM_020778.5 (MANE Select); coding-DNA position 4121, A replaced by T.
Protein change: p.Glu1374Val; replaces glutamic acid 1374 with valine.
Molecular consequence: missense variant.
Genome position (GRCh38, 1-based): chr15:84,860,064, A>T. VCF-style: chr15-84860064-A-T. GRCh37 (hg19) VCF-style: chr15-85403295-A-T.
Other names: short protein forms E1374V.
Identifiers: ClinVar variation 2823451 (VCV002823451.3), dbSNP rs771224460, ClinGen allele CA7709856.
Genomic context (GRCh38, chr15:84,860,064, plus strand): 5'-GAAGGCACTGCTTTCTTCTTTTTCTGTATCTAGTGTTGTCAGGATTCATCTCCAGAGAAG[A>T]AGGTGAAGGTATGGTTCCCCCCTGGGGAAGGCGGGGTGGTCCTACCCCTGCCATCTGCAG-3'
Protein context (NP_065829.4, residues 1364-1384): EVLSGFISRE[Glu1374Val]GEVGEEIEMT

ClinVar aggregate classification (germline): Uncertain significance (1 of 4 stars; one submission).

Submission:

Labcorp Genetics (formerly Invitae), Labcorp
Classification: Uncertain significance. Last evaluated: 2022-12-23. Review status: criteria provided, single submitter. Criteria: Invitae Variant Classification Sherloc (09022015). Collection method: clinical testing. Allele origin: germline.
Comment: This sequence change replaces glutamic acid, which is acidic and polar, with valine, which is neutral and non-polar, at codon 1576 of the ALPK3 protein (p.Glu1576Val). This variant is present in population databases (rs771224460, gnomAD 0.0009%). This variant has not been reported in the literature in individuals affected with ALPK3-related conditions. Algorithms developed to predict the effect of missense changes on protein structure and function are either unavailable or do not agree on the potential impact of this missense change (SIFT: "Deleterious"; PolyPhen-2: "Probably Damaging"; Align-GVGD: "Class C0"). Algorithms developed to predict the effect of sequence changes on RNA splicing suggest that this variant may disrupt the consensus splice site. In summary, the available evidence is currently insufficient to determine the role of this variant in disease. Therefore, it has been classified as a Variant of Uncertain Significance.